The following is an entry in ClinVar:

NM_014694.4(ADAMTSL2):c.89C>T (p.Thr30Met)

Gene: ADAMTSL2 (ADAMTS like 2; plus strand). Cytogenetic location: 9q34.2.
Variant type: single nucleotide variant.
Coding change: c.89C>T on transcript NM_014694.4 (MANE Select); coding-DNA position 89, C replaced by T.
Protein change: p.Thr30Met; replaces threonine 30 with methionine.
Molecular consequence: missense variant.
Genome position (GRCh38, 1-based): chr9:133,536,801, C>T. VCF-style: chr9-133536801-C-T. GRCh37 (hg19) VCF-style: chr9-136401923-C-T.
Other names: c.89C>T, p.Thr30Met (NM_001145320.2); short protein forms T30M.
Identifiers: ClinVar variation 3350255 (VCV003350255.2).

ClinVar aggregate classification (germline): Uncertain significance. Review status: criteria provided, single submitter (1 of 4 stars). 2 submissions from 2 submitters: Uncertain significance (1). 1 of the submissions does not count toward it. Last evaluated 2025-05-14.

Conditions:
Inborn genetic diseases. Identifiers: MedGen C0950123, MeSH D030342.
ADAMTSL2-related disorder. Also called: ADAMTSL2-related condition.

gnomAD v4.1: 31 of 1,614,038 alleles (0.0019%); highest among the groups gnomAD compares: Middle Eastern, 0.016%; no homozygotes.

Submissions (2):

Ambry Genetics
Classification: Uncertain significance for Inborn genetic diseases. Last evaluated: 2025-05-14. Review status: criteria provided, single submitter. Criteria: Ambry Variant Classification Scheme 2023. Collection method: clinical testing. Allele origin: germline.

PreventionGenetics, part of Exact Sciences
Classification: Uncertain significance for ADAMTSL2-related condition. Last evaluated: 2024-09-07. Review status: no assertion criteria provided. Collection method: clinical testing. Allele origin: germline. Not counted in ClinVar's aggregate classification.
Comment: The ADAMTSL2 c.89C>T variant is predicted to result in the amino acid substitution p.Thr30Met. To our knowledge, this variant has not been reported in the literature. This variant is reported in 0.014% of alleles in individuals of Latino descent in gnomAD. At this time, the clinical significance of this variant is uncertain due to the absence of conclusive functional and genetic evidence.